The following is an entry in ClinVar:

ClinVar aggregate classification (germline): Pathogenic. Review status: criteria provided, multiple submitters, no conflicts (2 of 4 stars). 2 submissions from 2 submitters: Pathogenic (2). Last evaluated 2025-11-12.

Conditions:
Recessive dystrophic epidermolysis bullosa (RDEB). Also called: severe generalized recessive dystrophic epidermolysis bullosa; epidermolysis bullosa dystrophica, autosomal recessive; Hallopeau-Siemens Disease; EPIDERMOLYSIS BULLOSA DYSTROPHICA, GENERALIZED SEVERE, AUTOSOMAL RECESSIVE; Recessive DEB (RDEB); Epidermolysis Bullosa Distrophica Autosomal Recessive (RDEB). Identifiers: Orphanet 79408, Orphanet 79409, MedGen C0079474, MONDO:0009179, OMIM 226600.

Submissions (2):

Myriad Genetics, Inc.
Classification: Pathogenic for Recessive dystrophic epidermolysis bullosa. Last evaluated: 2025-11-12. Review status: criteria provided, single submitter. Criteria: Myriad Autosomal Dominant, Autosomal Recessive and X-Linked Classification Criteria (2023). Collection method: clinical testing. Allele origin: unknown.
Comment: NM_000094.3(COL7A1):c.4172delC(P1391Qfs*8) is expected to be pathogenic in the context of dystrophic epidermolysis bullosa. This variant is predicted to lead to an abnormal or absent protein product due to the creation of a premature termination codon in COL7A1, a gene where loss-of-function variants are known to be pathogenic. Please note: this variant was assessed in the context of healthy population screening.

Labcorp Genetics (formerly Invitae), Labcorp
Classification: Pathogenic. Last evaluated: 2021-07-08. Review status: criteria provided, single submitter. Criteria: Invitae Variant Classification Sherloc (09022015). Collection method: clinical testing. Allele origin: germline.
Comment: This sequence change creates a premature translational stop signal (p.Pro1391Glnfs*8) in the COL7A1 gene. It is expected to result in an absent or disrupted protein product. Loss-of-function variants in COL7A1 are known to be pathogenic (PMID: 16971478). This variant is not present in population databases (ExAC no frequency). For these reasons, this variant has been classified as Pathogenic. This premature translational stop signal has been observed in individual(s) with clinical features of epidermolysis bullosa dystrophica (PMID: 12485454).

Literature cited by the submitters: PubMed 16971478 (cited by Labcorp Genetics (formerly Invitae), Labcorp); PubMed 12485454 (cited by Labcorp Genetics (formerly Invitae), Labcorp).

NM_000094.4(COL7A1):c.4172del (p.Pro1391fs)

Gene: COL7A1 (collagen type VII alpha 1 chain; minus strand). Cytogenetic location: 3p21.31.
Variant type: Deletion.
Coding change: c.4172del on transcript NM_000094.4 (MANE Select); coding-DNA position 4172, one base deleted (C; older notation c.4172delC).
Protein change: p.Pro1391fs; shifts the reading frame from proline 1391.
Molecular consequence: frameshift variant.
Genome position (GRCh38, 1-based): chr3:48,584,323, G deleted on the plus strand (C on the coding strand, the reverse complement: COL7A1 is on the minus strand); the first of 6 consecutive G bases (chr3:48,584,323-48,584,328); deleting any one gives the same sequence. VCF-style (leftmost placement, unchanged base first): chr3-48584322-TG-T. GRCh37 (hg19) VCF-style: chr3-48621755-TG-T.
Other names: short protein forms P1391fs.
Identifiers: ClinVar variation 1457819 (VCV001457819.7), dbSNP rs2107733058, ClinGen allele CA645521927.